The following is an entry in ClinVar:

NM_007055.4(POLR3A):c.2616+1G>A

Gene: POLR3A (RNA polymerase III subunit A; minus strand). Cytogenetic location: 10q22.3.
Variant type: single nucleotide variant.
Coding change: c.2616+1G>A on transcript NM_007055.4 (MANE Select); the canonical splice donor site of the intron after coding-DNA position 2616, G replaced by A.
Molecular consequence: splice donor variant.
Genome position (GRCh38, 1-based): chr10:77,999,980, C>T on the plus strand (G>A on the coding strand, the complement: POLR3A is on the minus strand). VCF-style: chr10-77999980-C-T. GRCh37 (hg19) VCF-style: chr10-79759738-C-T.
Identifiers: ClinVar variation 3062284 (VCV003062284.1), dbSNP rs2493206400, ClinGen allele CA377335396.

ClinVar aggregate classification (germline): Likely pathogenic (1 of 4 stars; one submission).

Conditions:
Neonatal pseudo-hydrocephalic progeroid syndrome. Also called: Wiedemann-Rautenstrauch syndrome. Identifiers: Orphanet 3455, MedGen C0406586, MONDO:0009910, OMIM 264090.
Leukodystrophy, hypomyelinating, 7, with or without oligodontia and/or hypogonadotropic hypogonadism (HLD7). Also called: LEUKODYSTROPHY, HYPOMYELINATING, 7, WITH OLIGODONTIA AND HYPOGONADOTROPIC HYPOGONADISM; LEUKODYSTROPHY, HYPOMYELINATING, 7, WITHOUT OLIGODONTIA OR HYPOGONADOTROPIC HYPOGONADISM; Ataxia, Delayed Dentition and Hypomyelination (ADDH); LEUKOENCEPHALOPATHY, HYPOMYELINATING, WITH ATAXIA AND DELAYED DENTITION; ATAXIA, DELAYED DENTITION, AND HYPOMYELINATION; LEUKODYSTROPHY, HYPOMYELINATING, 7, WITH OLIGODONTIA. Identifiers: Orphanet 137639, Orphanet 447893, Orphanet 447896, Orphanet 77295, Orphanet 88637, MedGen CN034185, MONDO:0011897, OMIM 607694.

Submission:

Molecular Genetics Department, Kulakov National Medical Research Center for Obstetrics, Gynecology and Perinatology
Classification: Likely pathogenic for Leukodystrophy, hypomyelinating, 7, with or without oligodontia and/or hypogonadotropic hypogonadism; Neonatal pseudo-hydrocephalic progeroid syndrome. Review status: criteria provided, single submitter. Criteria: ACMG Guidelines, 2015. Collection method: clinical testing. Allele origin: germline. Affected: yes.
Comment: A previously undescribed nucleotide variant creates an alteration of the canonical splice site c.2616+1G>A in the POLR3A gene. Homozygous and compound heterozygous variants are reported in patients with Leukodystrophy, hypomyelinating, 7, with or without oligodontia and/or hypogonadotropic hypogonadism, 607694, Wiedemann-Rautenstrauch syndrome, 264090. The variant is not present in population database (gnomAD no frequency). In summary, the currently available evidence indicates that the variant is pathogenic, but additional data are needed to prove that conclusively. Therefore, this variant has been classified as likely pathogenic.